The following is an entry in ClinVar:

ClinVar aggregate classification (germline): Uncertain significance (1 of 4 stars; one submission).

Conditions:
Inborn genetic diseases. Identifiers: MedGen C0950123, MeSH D030342.

Submission:

Ambry Genetics
Classification: Uncertain significance for Inborn genetic diseases. Last evaluated: 2022-10-20. Review status: criteria provided, single submitter. Criteria: Ambry Variant Classification Scheme 2023. Collection method: clinical testing. Allele origin: germline.
Comment: The p.D133N variant (also known as c.397G>A), located in coding exon 4 of the EPAS1 gene, results from a G to A substitution at nucleotide position 397. The aspartic acid at codon 133 is replaced by asparagine, an amino acid with highly similar properties. This amino acid position is conserved. In addition, this alteration is predicted to be tolerated by in silico analysis. Since supporting evidence is limited at this time, the clinical significance of this alteration remains unclear.

NM_001430.5(EPAS1):c.397G>A (p.Asp133Asn)

Gene: EPAS1 (endothelial PAS domain protein 1; plus strand). Cytogenetic location: 2p21.
Variant type: single nucleotide variant.
Coding change: c.397G>A on transcript NM_001430.5 (MANE Select); coding-DNA position 397, G replaced by A.
Protein change: p.Asp133Asn; replaces aspartic acid 133 with asparagine.
Molecular consequence: missense variant.
Genome position (GRCh38, 1-based): chr2:46,356,751, G>A. VCF-style: chr2-46356751-G-A. GRCh37 (hg19) VCF-style: chr2-46583890-G-A.
Other names: short protein forms D133N.
Identifiers: ClinVar variation 1736689 (VCV001736689.2), dbSNP rs2546451117, ClinGen allele CA346698134.